The following is an entry in ClinVar:

ClinVar aggregate classification (germline): Uncertain significance (1 of 4 stars; one submission).

Allele frequency attached by ClinVar (database versions not stated): gnomAD exomes below 0.00001 and 0.00001.
gnomAD v4.1: 13 of 1,613,932 alleles (0.00081%); highest among the groups gnomAD compares: Admixed American, 0.017%; no homozygotes.

Submission:

Labcorp Genetics (formerly Invitae), Labcorp
Classification: Uncertain significance. Last evaluated: 2024-10-26. Review status: criteria provided, single submitter. Criteria: Invitae Variant Classification Sherloc (09022015). Collection method: clinical testing. Allele origin: germline.
Comment: This sequence change replaces glutamine, which is neutral and polar, with arginine, which is basic and polar, at codon 350 of the ADAMTS18 protein (p.Gln350Arg). This variant is present in population databases (no rsID available, gnomAD no frequency). This variant has not been reported in the literature in individuals affected with ADAMTS18-related conditions. ClinVar contains an entry for this variant (Variation ID: 1523121). An algorithm developed to predict the effect of missense changes on protein structure and function (PolyPhen-2) suggests that this variant¬†is likely to be tolerated. In summary, the available evidence is currently insufficient to determine the role of this variant in disease. Therefore, it has been classified as a Variant of Uncertain Significance.

NM_199355.4(ADAMTS18):c.1049A>G (p.Gln350Arg)

Gene: ADAMTS18 (ADAM metallopeptidase with thrombospondin type 1 motif 18; minus strand). Cytogenetic location: 16q23.1.
Variant type: single nucleotide variant.
Coding change: c.1049A>G on transcript NM_199355.4 (MANE Select); coding-DNA position 1049, A replaced by G.
Protein change: p.Gln350Arg; replaces glutamine 350 with arginine.
Molecular consequence: missense variant.
Genome position (GRCh38, 1-based): chr16:77,363,809, T>C on the plus strand (A>G on the coding strand, the complement: ADAMTS18 is on the minus strand). VCF-style: chr16-77363809-T-C. GRCh37 (hg19) VCF-style: chr16-77397706-T-C.
Other names: c.533A>G, p.Gln178Arg (NM_001326358.2); short protein forms Q350R, Q178R.
Identifiers: ClinVar variation 1523121 (VCV001523121.4), dbSNP rs1008266886, ClinGen allele CA284437251.